The following is an entry in ClinVar:

NM_003000.3(SDHB):c.568G>T (p.Ala190Ser)

Gene: SDHB (succinate dehydrogenase complex iron sulfur subunit B; minus strand). Cytogenetic location: 1p36.13.
Variant type: single nucleotide variant.
Coding change: c.568G>T on transcript NM_003000.3 (MANE Select); coding-DNA position 568, G replaced by T.
Protein change: p.Ala190Ser; replaces alanine 190 with serine.
Molecular consequence: missense variant.
Genome position (GRCh38, 1-based): chr1:17,024,047, C>A on the plus strand (G>T on the coding strand, the complement: SDHB is on the minus strand). VCF-style: chr1-17024047-C-A. GRCh37 (hg19) VCF-style: chr1-17350542-C-A.
Other names: c.514G>T, p.Ala172Ser (NM_001407361.1); short protein forms A172S, A190S.
Identifiers: ClinVar variation 1749072 (VCV001749072.7), dbSNP rs199789177, ClinGen allele CA338271297.

ClinVar aggregate classification (germline): Uncertain significance. Review status: criteria provided, multiple submitters, no conflicts (2 of 4 stars). 2 submissions from 2 submitters: Uncertain significance (2). Last evaluated 2022-05-21.

Conditions:
Pheochromocytoma. Also called: MAX-Related Hereditary Paraganglioma-Pheochromocytoma Syndrome. Identifiers: Orphanet 29072, MedGen C0031511, MONDO:0008233, OMIM 171300, HP:0002666.
Pheochromocytoma/paraganglioma syndrome 4. Also called: CAROTID BODY TUMORS AND MULTIPLE EXTRAADRENAL PHEOCHROMOCYTOMAS; PARAGANGLIOMA, FAMILIAL MALIGNANT; PARAGANGLIOMAS, HEREDITARY EXTRAADRENAL; PHEOCHROMOCYTOMA, FAMILIAL EXTRAADRENAL; Paragangliomas 4; SDHB-Related Hereditary Paraganglioma-Pheochromocytoma Syndrome (Paragangliomas 4). Identifiers: Orphanet 29072, MedGen C1861848, MONDO:0007273, OMIM 115310.
Gastrointestinal stromal tumor. Also called: Gastrointestinal stromal tumor, somatic; Gastrointestinal stroma tumor. Identifiers: Orphanet 44890, MedGen C0238198, MeSH D046152, MONDO:0011719, OMIM 606764, HP:0100723.
Hereditary cancer-predisposing syndrome. Also called: Neoplastic Syndromes, Hereditary; Tumor predisposition; Hereditary Cancer Syndrome; Hereditary neoplastic syndrome. Identifiers: Orphanet 140162, MedGen C0027672, MeSH D009386, MONDO:0015356.

Submissions (2):

Labcorp Genetics (formerly Invitae), Labcorp
Classification: Uncertain significance for Gastrointestinal stromal tumor; Pheochromocytoma/paraganglioma syndrome 4; Pheochromocytoma. Last evaluated: 2022-05-21. Review status: criteria provided, single submitter. Criteria: Invitae Variant Classification Sherloc (09022015). Collection method: clinical testing. Allele origin: germline.
Comment: In summary, the available evidence is currently insufficient to determine the role of this variant in disease. Therefore, it has been classified as a Variant of Uncertain Significance. Advanced modeling of protein sequence and biophysical properties (such as structural, functional, and spatial information, amino acid conservation, physicochemical variation, residue mobility, and thermodynamic stability) performed at Invitae indicates that this missense variant is expected to disrupt SDHB protein function. This variant has not been reported in the literature in individuals affected with SDHB-related conditions. This variant is not present in population databases (gnomAD no frequency). This sequence change replaces alanine, which is neutral and non-polar, with serine, which is neutral and polar, at codon 190 of the SDHB protein (p.Ala190Ser).

Ambry Genetics
Classification: Uncertain significance for Hereditary cancer-predisposing syndrome. Last evaluated: 2022-05-19. Review status: criteria provided, single submitter. Criteria: Ambry Variant Classification Scheme 2023. Collection method: clinical testing. Allele origin: germline.
Comment: The p.A190S variant (also known as c.568G>T), located in coding exon 6 of the SDHB gene, results from a G to T substitution at nucleotide position 568. The alanine at codon 190 is replaced by serine, an amino acid with similar properties. This amino acid position is conserved. In addition, this alteration is predicted to be deleterious by in silico analysis. Since supporting evidence is limited at this time, the clinical significance of this alteration remains unclear.